The following is an entry in ClinVar:

NM_001371986.1(UNC80):c.8768G>A (p.Cys2923Tyr)

Gene: UNC80 (unc-80 subunit of NALCN channel complex; plus strand). Cytogenetic location: 2q34.
Variant type: single nucleotide variant.
Coding change: c.8768G>A on transcript NM_001371986.1 (MANE Select); coding-DNA position 8768, G replaced by A.
Protein change: p.Cys2923Tyr; replaces cysteine 2923 with tyrosine.
Molecular consequence: missense variant.
Genome position (GRCh38, 1-based): chr2:209,976,299, G>A. VCF-style: chr2-209976299-G-A. GRCh37 (hg19) VCF-style: chr2-210841023-G-A.
Other names: c.8570G>A, p.Cys2857Tyr (NM_032504.2); c.8555G>A, p.Cys2852Tyr (NM_182587.4); short protein forms C2852Y, C2857Y, C2923Y.
Identifiers: ClinVar variation 4804633 (VCV004804633.1).

ClinVar aggregate classification (germline): Uncertain significance (1 of 4 stars; one submission).

gnomAD v4.1: 2 of 1,551,784 alleles (0.00013%); highest among the groups gnomAD compares: Non-Finnish European, 0.00017%; no homozygotes.

Submission:

Labcorp Genetics (formerly Invitae), Labcorp
Classification: Uncertain significance. Last evaluated: 2025-06-24. Review status: criteria provided, single submitter. Criteria: Invitae Variant Classification Sherloc (09022015). Collection method: clinical testing. Allele origin: germline.
Comment: This sequence change replaces cysteine, which is neutral and slightly polar, with tyrosine, which is neutral and polar, at codon 2857 of the UNC80 protein (p.Cys2857Tyr). This variant is not present in population databases (gnomAD no frequency). This variant has not been reported in the literature in individuals affected with UNC80-related conditions. Invitae Evidence Modeling of protein sequence and biophysical properties (such as structural, functional, and spatial information, amino acid conservation, physicochemical variation, residue mobility, and thermodynamic stability) indicates that this missense variant is not expected to disrupt UNC80 protein function with a negative predictive value of 80%. In summary, the available evidence is currently insufficient to determine the role of this variant in disease. Therefore, it has been classified as a Variant of Uncertain Significance.